The following is an entry in ClinVar:

ClinVar aggregate classification (germline): Uncertain significance (1 of 4 stars; one submission).

Conditions:
Deficiency of alpha-mannosidase (MANSA). Also called: Mannosidosis, alpha-, types I and II; LYSOSOMAL ALPHA-D-MANNOSIDASE DEFICIENCY; Alpha-Mannosidosis. Identifiers: Orphanet 61, MedGen C0024748, MONDO:0009561, OMIM 248500.

Allele frequency attached by ClinVar (database versions not stated): ExAC 0.00004.
gnomAD v4.1: 3 of 1,585,642 alleles (0.00019%); highest among the groups gnomAD compares: Admixed American, 0.0036%; no homozygotes.

Submission:

Labcorp Genetics (formerly Invitae), Labcorp
Classification: Uncertain significance for Deficiency of alpha-mannosidase. Last evaluated: 2023-08-04. Review status: criteria provided, single submitter. Criteria: Invitae Variant Classification Sherloc (09022015). Collection method: clinical testing. Allele origin: germline.
Comment: ClinVar contains an entry for this variant (Variation ID: 2163108). In summary, the available evidence is currently insufficient to determine the role of this variant in disease. Therefore, it has been classified as a Variant of Uncertain Significance. Advanced modeling of protein sequence and biophysical properties (such as structural, functional, and spatial information, amino acid conservation, physicochemical variation, residue mobility, and thermodynamic stability) performed at Invitae indicates that this missense variant is not expected to disrupt MAN2B1 protein function. This variant has not been reported in the literature in individuals affected with MAN2B1-related conditions. This variant is present in population databases (rs762092637, gnomAD 0.007%). This sequence change replaces arginine, which is basic and polar, with glycine, which is neutral and non-polar, at codon 48 of the MAN2B1 protein (p.Arg48Gly).

NM_000528.4(MAN2B1):c.142C>G (p.Arg48Gly)

Gene: MAN2B1 (mannosidase alpha class 2B member 1; minus strand). Cytogenetic location: 19p13.13.
Variant type: single nucleotide variant.
Coding change: c.142C>G on transcript NM_000528.4 (MANE Select); coding-DNA position 142, C replaced by G.
Protein change: p.Arg48Gly; replaces arginine 48 with glycine.
Molecular consequence: missense variant.
Genome position (GRCh38, 1-based): chr19:12,666,560, G>C on the plus strand (C>G on the coding strand, the complement: MAN2B1 is on the minus strand). VCF-style: chr19-12666560-G-C. GRCh37 (hg19) VCF-style: chr19-12777374-G-C.
Other names: c.142C>G, p.Arg48Gly (NM_001173498.2); short protein forms R48G.
Identifiers: ClinVar variation 2163108 (VCV002163108.4), dbSNP rs762092637, ClinGen allele CA9226906.